The following is an entry in ClinVar:

ClinVar aggregate classification (germline): Pathogenic. Review status: criteria provided, multiple submitters, no conflicts (2 of 4 stars). 2 submissions from 2 submitters: Pathogenic (2). Last evaluated 2025-06-01.

Conditions:
Lynch syndrome 5 (LYNCH5). Also called: Hereditary non-polyposis colorectal cancer, type 5; Colorectal cancer, hereditary nonpolyposis, type 5. Identifiers: Orphanet 144, MedGen C1833477, MONDO:0013710, OMIM 614350. Disease mechanism: loss of function.
Hereditary nonpolyposis colorectal neoplasms. Identifiers: MedGen C0009405, MeSH D003123.

Submissions (2):

Labcorp Genetics (formerly Invitae), Labcorp
Classification: Pathogenic for Hereditary nonpolyposis colorectal neoplasms. Last evaluated: 2025-06-01. Review status: criteria provided, single submitter. Criteria: Invitae Variant Classification Sherloc (09022015). Collection method: clinical testing. Allele origin: germline.
Comment: This sequence change creates a premature translational stop signal (p.Pro656Thrfs*5) in the MSH6 gene. It is expected to result in an absent or disrupted protein product. Loss-of-function variants in MSH6 are known to be pathogenic (PMID: 18269114, 24362816). This variant is not present in population databases (gnomAD no frequency). This variant has not been reported in the literature in individuals affected with MSH6-related conditions. ClinVar contains an entry for this variant (Variation ID: 2673784). For these reasons, this variant has been classified as Pathogenic.

Myriad Genetics, Inc.
Classification: Pathogenic for Lynch syndrome 5. Last evaluated: 2023-08-16. Review status: criteria provided, single submitter. Criteria: Myriad Autosomal Dominant, Autosomal Recessive and X-Linked Classification Criteria (2023). Collection method: clinical testing. Allele origin: unknown.
Comment: This variant is considered pathogenic. This variant creates a frameshift predicted to result in premature protein truncation.

Literature cited by the submitters: PubMed 18269114 (cited by Labcorp Genetics (formerly Invitae), Labcorp); PubMed 24362816 (cited by Labcorp Genetics (formerly Invitae), Labcorp).

NM_000179.3(MSH6):c.1965dup (p.Pro656fs)

Gene: MSH6 (mutS homolog 6; plus strand). Cytogenetic location: 2p16.3.
Variant type: Duplication.
Coding change: c.1965dup on transcript NM_000179.3 (MANE Select); coding-DNA position 1965, one base duplicated (A; older notation c.1965dupA).
Protein change: p.Pro656fs; shifts the reading frame from proline 656.
Molecular consequence: frameshift variant. On other transcripts: non-coding transcript variant (5), intron variant (2).
Genome position (GRCh38, 1-based): chr2:47,799,948, A duplicated. VCF-style (leftmost placement, unchanged base first): chr2-47799947-T-TA. GRCh37 (hg19) VCF-style: chr2-48027086-T-TA.
Other names: c.1575dup, p.Pro526fs (NM_001281492.2); c.1059dup, p.Pro354fs (NM_001281493.2, NM_001281494.2, NM_001406811.1 and 6 more transcripts); c.2061dup, p.Pro688fs (NM_001406795.1, NM_001406802.1); c.1965dup, p.Pro656fs (NM_001406796.1, NM_001406798.1, NM_001406800.1 and 3 more transcripts); c.1668dup, p.Pro557fs (NM_001406797.1, NM_001406801.1, NM_001406805.1 and 10 more transcripts); c.1440dup, p.Pro481fs (NM_001406799.1, NM_001406806.1, NM_001406807.1); c.1887dup, p.Pro630fs (NM_001406804.1); c.1971dup, p.Pro658fs (NM_001406813.1); and 3 more; short protein forms P354fs, P481fs, P526fs, P557fs, P600fs, P630fs, P656fs, P658fs.
Identifiers: ClinVar variation 2673784 (VCV002673784.2), dbSNP rs2530641802, ClinGen allele CA2695200656.
Genomic context (GRCh38, chr2:47,799,947, plus strand): 5'-GAACTCTCCTTGAGGAAGAATATTTTAGGGAAAAGCTAAGTGATGGCATTGGGGTGATGT[T>TA]ACCCCAGGTGCTTAAAGGTATGACTTCAGAGTCTGATTCCATTGGGTTGACACCAGGAGA-3'